The following is an entry in ClinVar:

NM_004168.4(SDHA):c.328G>C (p.Ala110Pro)

Gene: SDHA (succinate dehydrogenase complex flavoprotein subunit A; plus strand). Cytogenetic location: 5p15.33.
Variant type: single nucleotide variant.
Coding change: c.328G>C on transcript NM_004168.4 (MANE Select); coding-DNA position 328, G replaced by C.
Protein change: p.Ala110Pro; replaces alanine 110 with proline.
Molecular consequence: missense variant. On other transcripts: intron variant (1).
Genome position (GRCh38, 1-based): chr5:225,434, G>C. VCF-style: chr5-225434-G-C. GRCh37 (hg19) VCF-style: chr5-225549-G-C.
Other names: c.328G>C, p.Ala110Pro (NM_001330758.2); c.313-449G>C (NM_001294332.2); c.328G>C (NM_004168.2); short protein forms A110P.
Identifiers: ClinVar variation 242609 (VCV000242609.10), dbSNP rs786205209, ClinGen allele CA358605.

ClinVar aggregate classification (germline): Uncertain significance. Review status: criteria provided, multiple submitters, no conflicts (2 of 4 stars). 3 submissions from 3 submitters: Uncertain significance (3). Last evaluated 2025-12-08.

Conditions:
Mitochondrial complex II deficiency, nuclear type 1. Also called: SUCCINATE CoQ REDUCTASE DEFICIENCY. Identifiers: Orphanet 3208, MedGen C5700310, MONDO:0100294, OMIM 252011.
Pheochromocytoma/paraganglioma syndrome 5. Also called: Paragangliomas 5; SDHA-Related Hereditary Paraganglioma-Pheochromocytoma Syndrome. Identifiers: Orphanet 29072, MedGen C3279992, MONDO:0013602, OMIM 614165.
Hereditary cancer-predisposing syndrome. Also called: Tumor predisposition; Hereditary neoplastic syndrome; Hereditary Cancer Syndrome; Neoplastic Syndromes, Hereditary. Identifiers: Orphanet 140162, MedGen C0027672, MeSH D009386, MONDO:0015356.

Allele frequency attached by ClinVar (database versions not stated): gnomAD exomes 0.00001 and below 0.00001.

Submissions (3):

Dasa
Classification: Uncertain significance. Last evaluated: 2025-12-08. Review status: criteria provided, single submitter. Criteria: DASA Assertion Criteria. Collection method: clinical testing. Allele origin: germline.
Comment: NM_004168.4(SDHA):c.328G>C (p.Ala110Pro) is a missense variant that results in the substitution of alanine with proline. This variant is rare in population databases. Computational prediction algorithms are consistent with a deleterious effect. The currently available literature and clinical evidence are not sufficient to establish a definitive association between this variant and the reported condition. Therefore, this variant is classified as a variant of uncertain significance.

Labcorp Genetics (formerly Invitae), Labcorp
Classification: Uncertain significance for Pheochromocytoma/paraganglioma syndrome 5; Mitochondrial complex II deficiency, nuclear type 1. Last evaluated: 2024-08-29. Review status: criteria provided, single submitter. Criteria: Invitae Variant Classification Sherloc (09022015). Collection method: clinical testing. Allele origin: germline.
Comment: This sequence change replaces alanine, which is neutral and non-polar, with proline, which is neutral and non-polar, at codon 110 of the SDHA protein (p.Ala110Pro). This variant is present in population databases (rs786205209, gnomAD 0.003%). This variant has not been reported in the literature in individuals affected with SDHA-related conditions. ClinVar contains an entry for this variant (Variation ID: 242609). Invitae Evidence Modeling of protein sequence and biophysical properties (such as structural, functional, and spatial information, amino acid conservation, physicochemical variation, residue mobility, and thermodynamic stability) has been performed for this missense variant. However, the output from this modeling did not meet the statistical confidence thresholds required to predict the impact of this variant on SDHA protein function. In summary, the available evidence is currently insufficient to determine the role of this variant in disease. Therefore, it has been classified as a Variant of Uncertain Significance.

Ambry Genetics
Classification: Uncertain significance for Hereditary cancer-predisposing syndrome. Last evaluated: 2024-01-05. Review status: criteria provided, single submitter. Criteria: Ambry Variant Classification Scheme 2023. Collection method: clinical testing. Allele origin: germline.
Comment: The p.A110P variant (also known as c.328G>C), located in coding exon 4 of the SDHA gene, results from a G to C substitution at nucleotide position 328. The alanine at codon 110 is replaced by proline, an amino acid with highly similar properties. This amino acid position is highly conserved in available vertebrate species. In addition, this alteration is predicted to be deleterious by in silico analysis. Since supporting evidence is limited at this time, the clinical significance of this alteration remains unclear.